The following is an entry in ClinVar:

NM_006469.5(IVNS1ABP):c.1278C>G (p.His426Gln)

Gene: IVNS1ABP (influenza virus NS1A binding protein; minus strand). Cytogenetic location: 1q25.3.
Variant type: single nucleotide variant.
Coding change: c.1278C>G on transcript NM_006469.5 (MANE Select); coding-DNA position 1278, C replaced by G.
Protein change: p.His426Gln; replaces histidine 426 with glutamine.
Molecular consequence: missense variant.
Genome position (GRCh38, 1-based): chr1:185,300,308, G>C on the plus strand (C>G on the coding strand, the complement: IVNS1ABP is on the minus strand). VCF-style: chr1-185300308-G-C. GRCh37 (hg19) VCF-style: chr1-185269440-G-C.
Other names: short protein forms H426Q.
Identifiers: ClinVar variation 2361063 (VCV002361063.13), dbSNP rs139263536, ClinGen allele CA1290417.

ClinVar aggregate classification (germline): Conflicting classifications of pathogenicity. Review status: criteria provided, conflicting classifications (1 of 4 stars). 2 submissions from 2 submitters: Uncertain significance (1); Likely benign (1). Last evaluated 2025-05-01.

Allele frequency attached by ClinVar (database versions not stated): TOPMed 0.00022; ExAC 0.00023; ESP Exome Variant Server 0.00046; 1000 Genomes Project 30x 0.00016; gnomAD 0.00016; gnomAD exomes 0.00017; 1000 Genomes Project 0.00020.
gnomAD v4.1: 287 of 1,613,472 alleles (0.018%); highest among the groups gnomAD compares: Middle Eastern, 0.18%; no homozygotes.

Submissions (2):

CeGaT Center for Human Genetics Tuebingen
Classification: Likely benign. Last evaluated: 2025-05-01. Review status: criteria provided, single submitter. Criteria: CeGaT Center For Human Genetics Tuebingen Variant Classification Criteria Version 2. Collection method: clinical testing. Allele origin: germline. Affected: yes. Observed: 1 variant allele.
Comment: IVNS1ABP: BP1

Ambry Genetics
Classification: Uncertain significance. Last evaluated: 2024-12-24. Review status: criteria provided, single submitter. Criteria: Ambry Variant Classification Scheme 2023. Collection method: clinical testing. Allele origin: germline.